The following is an entry in ClinVar:

ClinVar aggregate classification (germline): Likely benign (1 of 4 stars; one submission).

Conditions:
Arrhythmogenic cardiomyopathy with wooly hair and keratoderma. Also called: PALMOPLANTAR KERATODERMA WITH LEFT VENTRICULAR CARDIOMYOPATHY AND WOOLLY HAIR; Carvajal syndrome; Dilated cardiomyopathy with woolly hair and keratoderma; Arrhythmogenic cardiomyopathy with woolly hair and keratoderma. Identifiers: Orphanet 65282, MedGen C1854063, MONDO:0011581, OMIM 605676.

Allele frequency attached by ClinVar (database versions not stated): gnomAD exomes below 0.00001.
gnomAD v4.1: 2 of 1,614,136 alleles (0.00012%); highest among the groups gnomAD compares: South Asian, 0.0011%; no homozygotes.

Submission:

All of Us Research Program, National Institutes of Health
Classification: Likely benign for Arrhythmogenic cardiomyopathy with wooly hair and keratoderma. Last evaluated: 2023-08-15. Review status: criteria provided, single submitter. Criteria: ACMG Guidelines, 2015. Collection method: clinical testing. Allele origin: germline. Inheritance: Autosomal dominant inheritance. Observed: 1 variant allele, 1 heterozygote.
Comment: This study involves interpretation of variants in research participants for the purpose of population health screening. Participant phenotype was not available at the time of variant classification. Additional details can be found in publication PMID: 35346344, PMCID: PMC8962531

NM_004415.4(DSP):c.822C>T (p.Asn274=)

Gene: DSP (desmoplakin; plus strand). Cytogenetic location: 6p24.3.
Variant type: single nucleotide variant.
Coding change: c.822C>T on transcript NM_004415.4 (MANE Select); coding-DNA position 822, C replaced by T.
Protein change: p.Asn274=; no amino-acid change (asparagine 274 retained).
Molecular consequence: synonymous variant.
Genome position (GRCh38, 1-based): chr6:7,565,403, C>T. VCF-style: chr6-7565403-C-T. GRCh37 (hg19) VCF-style: chr6-7565636-C-T.
Other names: c.822C>T, p.Asn274= (NM_001008844.3, NM_001319034.2, NM_001406591.1).
Identifiers: ClinVar variation 3073026 (VCV003073026.1), dbSNP rs765481723, ClinGen allele CA051871.